The following is an entry in ClinVar:

ClinVar aggregate classification (germline): Likely benign. Review status: criteria provided, multiple submitters, no conflicts (2 of 4 stars). 2 submissions from 2 submitters: Likely benign (2). Last evaluated 2024-11-18.

Allele frequency attached by ClinVar (database versions not stated): ExAC 0.00002; gnomAD exomes 0.00003; gnomAD 0.00006; TOPMed 0.00007; ESP Exome Variant Server 0.00008.
gnomAD v4.1: 52 of 1,614,044 alleles (0.0032%); highest among the groups gnomAD compares: African/African-American, 0.011%; no homozygotes.

Submissions (2):

Labcorp Genetics (formerly Invitae), Labcorp
Classification: Likely benign. Last evaluated: 2024-11-18. Review status: criteria provided, single submitter. Criteria: Invitae Variant Classification Sherloc (09022015). Collection method: clinical testing. Allele origin: germline.

CeGaT Center for Human Genetics Tuebingen
Classification: Likely benign. Last evaluated: 2024-04-01. Review status: criteria provided, single submitter. Criteria: CeGaT Center For Human Genetics Tuebingen Variant Classification Criteria Version 2. Collection method: clinical testing. Allele origin: germline. Affected: yes. Observed: 1 variant allele.
Comment: HIVEP2: BS1

NM_006734.4(HIVEP2):c.1744G>A (p.Val582Met)

Gene: HIVEP2 (HIVEP zinc finger 2; minus strand). Cytogenetic location: 6q24.2.
Variant type: single nucleotide variant.
Coding change: c.1744G>A on transcript NM_006734.4 (MANE Select); coding-DNA position 1744, G replaced by A.
Protein change: p.Val582Met; replaces valine 582 with methionine.
Molecular consequence: missense variant.
Genome position (GRCh38, 1-based): chr6:142,772,995, C>T on the plus strand (G>A on the coding strand, the complement: HIVEP2 is on the minus strand). VCF-style: chr6-142772995-C-T. GRCh37 (hg19) VCF-style: chr6-143094132-C-T.
Other names: short protein forms V582M.
Identifiers: ClinVar variation 2716894 (VCV002716894.23), dbSNP rs369603324, ClinGen allele CA4028545.